The following is an entry in ClinVar:

ClinVar aggregate classification (germline): Uncertain significance (1 of 4 stars; one submission).

Submission:

GeneDx
Classification: Uncertain significance. Last evaluated: 2021-09-17. Review status: criteria provided, single submitter. Criteria: GeneDx Variant Classification Process June 2021. Collection method: clinical testing. Allele origin: germline. Affected: yes.
Comment: Has not been previously published as pathogenic or benign to our knowledge; In silico analysis supports that this missense variant has a deleterious effect on protein structure/function; Not observed at significant frequency in large population cohorts (Lek et al., 2016)

NM_031407.7(HUWE1):c.12992C>T (p.Ser4331Phe)

Gene: HUWE1 (HECT, UBA and WWE domain containing E3 ubiquitin protein ligase 1; minus strand). Cytogenetic location: Xp11.22.
Variant type: single nucleotide variant.
Coding change: c.12992C>T on transcript NM_031407.7 (MANE Select); coding-DNA position 12992, C replaced by T.
Protein change: p.Ser4331Phe; replaces serine 4331 with phenylalanine.
Molecular consequence: missense variant.
Genome position (GRCh38, 1-based): chrX:53,534,037, G>A on the plus strand (C>T on the coding strand, the complement: HUWE1 is on the minus strand). VCF-style: chrX-53534037-G-A. GRCh37 (hg19) VCF-style: chrX-53560998-G-A.
Other names: short protein forms S4331F.
Identifiers: ClinVar variation 1300597 (VCV001300597.2), dbSNP rs2146745211, ClinGen allele CA413143697.